The following is an entry in ClinVar:

NM_133433.4(NIPBL):c.7631T>A (p.Leu2544Ter)

Gene: NIPBL (NIPBL cohesin loading factor; plus strand). Cytogenetic location: 5p13.2.
Variant type: single nucleotide variant.
Coding change: c.7631T>A on transcript NM_133433.4 (MANE Select); coding-DNA position 7631, T replaced by A.
Protein change: p.Leu2544Ter; replaces leucine 2544 with a stop codon.
Molecular consequence: nonsense.
Genome position (GRCh38, 1-based): chr5:37,059,111, T>A. VCF-style: chr5-37059111-T-A. GRCh37 (hg19) VCF-style: chr5-37059213-T-A.
Other names: c.7631T>A, p.Leu2544Ter (NM_015384.5); short protein forms L2544*.
Identifiers: ClinVar variation 2744602 (VCV002744602.3), dbSNP rs2478718388, ClinGen allele CA359517134.

ClinVar aggregate classification (germline): Pathogenic (1 of 4 stars; one submission).

Conditions:
Cornelia de Lange syndrome 1 (CDLS1). Also called: Brachmann de Lange syndrome; TYPUS DEGENERATIVUS AMSTELODAMENSIS; NIPBL-Related Cornelia de Lange Syndrome. Identifiers: Orphanet 199, MedGen C4551851, MONDO:0007387, OMIM 122470.

Submission:

Labcorp Genetics (formerly Invitae), Labcorp
Classification: Pathogenic for Cornelia de Lange syndrome 1. Last evaluated: 2023-07-17. Review status: criteria provided, single submitter. Criteria: Invitae Variant Classification Sherloc (09022015). Collection method: clinical testing. Allele origin: germline.
Comment: This sequence change creates a premature translational stop signal (p.Leu2544*) in the NIPBL gene. It is expected to result in an absent or disrupted protein product. Loss-of-function variants in NIPBL are known to be pathogenic (PMID: 15318302, 19763162, 23505322, 29995837). This variant is not present in population databases (gnomAD no frequency). This variant has not been reported in the literature in individuals affected with NIPBL-related conditions. For these reasons, this variant has been classified as Pathogenic.

Literature cited by the submitters: PubMed 15318302; PubMed 19763162; PubMed 23505322; PubMed 29995837.